The following is an entry in ClinVar:

ClinVar aggregate classification (germline): Pathogenic/Likely pathogenic. Review status: criteria provided, multiple submitters, no conflicts (2 of 4 stars). 2 submissions from 2 submitters: Pathogenic (1); Likely pathogenic (1). Last evaluated 2024-12-17.

Conditions:
Combined immunodeficiency with skin granulomas. Identifiers: Orphanet 157949, MedGen C2673536, MONDO:0009306, OMIM 233650.
Severe combined immunodeficiency, autosomal recessive, T cell-negative, B cell-negative, NK cell-positive. Also called: SCID, AR, T-cell negative, B-cell negative, NK cell-positive; Severe combined immunodeficiency due to complete RAG1/2 deficiency; SCID, T CELL-NEGATIVE, B CELL-NEGATIVE, NK CELL-POSITIVE. Identifiers: Orphanet 331206, MedGen C1832322, MONDO:0011086, OMIM 601457.
Combined immunodeficiency due to partial RAG1 deficiency. Identifiers: Orphanet 231154, MedGen C1835931, MONDO:0012359, OMIM 609889.

Allele frequency attached by ClinVar (database versions not stated): TOPMed 0.00001; gnomAD 0.00002.
gnomAD v4.1: 3 of 1,614,100 alleles (0.00019%); highest among the groups gnomAD compares: Non-Finnish European, 0.00025%; no homozygotes.

Submissions (2):

Labcorp Genetics (formerly Invitae), Labcorp
Classification: Pathogenic for Combined immunodeficiency with skin granulomas; Severe combined immunodeficiency, autosomal recessive, T cell-negative, B cell-negative, NK cell-positive. Last evaluated: 2024-12-17. Review status: criteria provided, single submitter. Criteria: Invitae Variant Classification Sherloc (09022015). Collection method: clinical testing. Allele origin: germline.
Comment: This sequence change creates a premature translational stop signal (p.Gln501*) in the RAG1 gene. While this is not anticipated to result in nonsense mediated decay, it is expected to disrupt the last 543 amino acid(s) of the RAG1 protein. This variant is not present in population databases (gnomAD no frequency). This variant has not been reported in the literature in individuals affected with RAG1-related conditions. ClinVar contains an entry for this variant (Variation ID: 2160473). This variant disrupts a region of the RAG1 protein in which other variant(s) (p.Trp959*) have been determined to be pathogenic (PMID: 11133745, 24290284, 24406074). This suggests that this is a clinically significant region of the protein, and that variants that disrupt it are likely to be disease-causing. For these reasons, this variant has been classified as Pathogenic.

Baylor Genetics
Classification: Likely pathogenic for Combined immunodeficiency due to partial RAG1 deficiency. Last evaluated: 2023-02-21. Review status: criteria provided, single submitter. Criteria: ACMG Guidelines, 2015. Collection method: clinical testing. Allele origin: unknown.

Literature cited by the submitters: PubMed 11133745 (cited by Labcorp Genetics (formerly Invitae), Labcorp); PubMed 24290284 (cited by Labcorp Genetics (formerly Invitae), Labcorp); PubMed 24406074 (cited by Labcorp Genetics (formerly Invitae), Labcorp).

NM_000448.3(RAG1):c.1501C>T (p.Gln501Ter)

Gene: RAG1 (recombination activating 1; plus strand). Cytogenetic location: 11p12.
Variant type: single nucleotide variant.
Coding change: c.1501C>T on transcript NM_000448.3 (MANE Select); coding-DNA position 1501, C replaced by T.
Protein change: p.Gln501Ter; replaces glutamine 501 with a stop codon.
Molecular consequence: nonsense.
Genome position (GRCh38, 1-based): chr11:36,574,805, C>T. VCF-style: chr11-36574805-C-T. GRCh37 (hg19) VCF-style: chr11-36596355-C-T.
Other names: c.1501C>T, p.Gln501Ter (NM_001377277.1, NM_001377278.1, NM_001377279.1 and 1 more transcripts); short protein forms Q501*.
Identifiers: ClinVar variation 2160473 (VCV002160473.5), dbSNP rs769349662, ClinGen allele CA5950143.